The following is an entry in ClinVar:

NM_001206927.2(DNAH8):c.390+5G>C

Genes: DNAH8 (dynein axonemal heavy chain 8; plus strand), LOC126859667 (BRD4-independent group 4 enhancer GRCh37_chr6:38690326-38691525; plus strand). Cytogenetic location: 6p21.2.
Variant type: single nucleotide variant.
Coding change: c.390+5G>C on transcript NM_001206927.2 (MANE Select); 5 bases into the intron after coding-DNA position 390, G replaced by C.
Molecular consequence: intron variant.
Genome position (GRCh38, 1-based): chr6:38,723,204, G>C. VCF-style: chr6-38723204-G-C. GRCh37 (hg19) VCF-style: chr6-38690980-G-C.
Other names: c.-177+5G>C (NM_001371.4).
Identifiers: ClinVar variation 2097264 (VCV002097264.4), dbSNP rs2533986372, ClinGen allele CA2580074460.

ClinVar aggregate classification (germline): Uncertain significance (1 of 4 stars; one submission).

Conditions:
Primary ciliary dyskinesia. Also called: Ciliary dyskinesia. Identifiers: Orphanet 244, MedGen C0008780, MONDO:0016575, HP:0012265.

Submission:

Labcorp Genetics (formerly Invitae), Labcorp
Classification: Uncertain significance for Primary ciliary dyskinesia. Last evaluated: 2022-02-12. Review status: criteria provided, single submitter. Criteria: Invitae Variant Classification Sherloc (09022015). Collection method: clinical testing. Allele origin: germline.
Comment: In summary, the available evidence is currently insufficient to determine the role of this variant in disease. Therefore, it has been classified as a Variant of Uncertain Significance. Variants that disrupt the consensus splice site are a relatively common cause of aberrant splicing (PMID: 17576681, 9536098). Algorithms developed to predict the effect of sequence changes on RNA splicing suggest that this variant may disrupt the consensus splice site. This variant has not been reported in the literature in individuals affected with DNAH8-related conditions. This variant is not present in population databases (gnomAD no frequency). This sequence change falls in intron 2 of the DNAH8 gene. It does not directly change the encoded amino acid sequence of the DNAH8 protein. It affects a nucleotide within the consensus splice site.

Literature cited by the submitters: PubMed 17576681; PubMed 9536098.